The following is an entry in ClinVar:

NM_153240.5(NPHP3):c.3959C>A (p.Ser1320Tyr)

Genes: NPHP3 (nephrocystin 3; minus strand), NPHP3-ACAD11 (NPHP3-ACAD11 readthrough (NMD candidate); minus strand). Cytogenetic location: 3q22.1.
Variant type: single nucleotide variant.
Coding change: c.3959C>A on transcript NM_153240.5 (MANE Select); coding-DNA position 3959, C replaced by A.
Protein change: p.Ser1320Tyr; replaces serine 1320 with tyrosine.
Molecular consequence: missense variant. On other transcripts: non-coding transcript variant (1).
Genome position (GRCh38, 1-based): chr3:132,681,944, G>T on the plus strand (C>A on the coding strand, the complement: NPHP3 is on the minus strand). VCF-style: chr3-132681944-G-T. GRCh37 (hg19) VCF-style: chr3-132400788-G-T.
Other names: short protein forms S1320Y.
Identifiers: ClinVar variation 1475504 (VCV001475504.8), dbSNP rs1350855452, ClinGen allele CA354577844.
Genomic context (GRCh38, chr3:132,681,944, plus strand): 5'-TTTGCAAAGAATTCTAACTGCTGCTATTACCTTTGTCCTTGCTGAAGGAAAACATTAGGA[G>T]AATGAGCTGTTTTTAAGCTAAACGTGTCTCCACTTGATGAATGGCGTGAAGGAGCTTTTC-3'
Protein context (NP_694972.3, residues 1310-1330): GDTFSLKTAH[Ser1320Tyr]PNVFLQQGQR

ClinVar aggregate classification (germline): Uncertain significance (1 of 4 stars; one submission).

Conditions:
Nephronophthisis. Also called: Juvenile Nephronophthisis. Identifiers: Orphanet 655, MedGen C0687120, MONDO:0019005, HP:0000090.

Allele frequency attached by ClinVar (database versions not stated): gnomAD exomes below 0.00001.
gnomAD v4.1: 1 of 1,614,134 alleles (0.000062%); highest among the groups gnomAD compares: Non-Finnish European, 0.000085%; no homozygotes.

Submission:

Labcorp Genetics (formerly Invitae), Labcorp
Classification: Uncertain significance for Nephronophthisis. Last evaluated: 2023-05-23. Review status: criteria provided, single submitter. Criteria: Invitae Variant Classification Sherloc (09022015). Collection method: clinical testing. Allele origin: germline.
Comment: This sequence change replaces serine, which is neutral and polar, with tyrosine, which is neutral and polar, at codon 1320 of the NPHP3 protein (p.Ser1320Tyr). In summary, the available evidence is currently insufficient to determine the role of this variant in disease. Therefore, it has been classified as a Variant of Uncertain Significance. An algorithm developed to predict the effect of missense changes on protein structure and function (PolyPhen-2) suggests that this variant is likely to be disruptive. ClinVar contains an entry for this variant (Variation ID: 1475504). This variant has not been reported in the literature in individuals affected with NPHP3-related conditions. This variant is present in population databases (no rsID available, gnomAD 0.0009%).